The following is an entry in ClinVar:

ClinVar aggregate classification (germline): Uncertain significance (1 of 4 stars; one submission).

Allele frequency attached by ClinVar (database versions not stated): gnomAD exomes below 0.00001; gnomAD 0.00001.
gnomAD v4.1: 2 of 1,614,016 alleles (0.00012%); highest among the groups gnomAD compares: South Asian, 0.0011%; no homozygotes.

Submission:

Labcorp Genetics (formerly Invitae), Labcorp
Classification: Uncertain significance. Last evaluated: 2022-04-07. Review status: criteria provided, single submitter. Criteria: Invitae Variant Classification Sherloc (09022015). Collection method: clinical testing. Allele origin: germline.
Comment: This sequence change replaces histidine, which is basic and polar, with tyrosine, which is neutral and polar, at codon 583 of the EMC1 protein (p.His583Tyr). In summary, the available evidence is currently insufficient to determine the role of this variant in disease. Therefore, it has been classified as a Variant of Uncertain Significance. Algorithms developed to predict the effect of missense changes on protein structure and function are either unavailable or do not agree on the potential impact of this missense change (SIFT: "Tolerated"; PolyPhen-2: "Probably Damaging"; Align-GVGD: "Class C0"). This variant has not been reported in the literature in individuals affected with EMC1-related conditions. This variant is not present in population databases (gnomAD no frequency).

NM_015047.3(EMC1):c.1747C>T (p.His583Tyr)

Genes: EMC1 (ER membrane protein complex subunit 1; minus strand), EMC1-AS1 (EMC1 antisense RNA 1; plus strand). Cytogenetic location: 1p36.13.
Variant type: single nucleotide variant.
Coding change: c.1747C>T on transcript NM_015047.3 (MANE Select); coding-DNA position 1747, C replaced by T.
Protein change: p.His583Tyr; replaces histidine 583 with tyrosine.
Molecular consequence: missense variant.
Genome position (GRCh38, 1-based): chr1:19,232,659, G>A on the plus strand (C>T on the coding strand, the complement: EMC1 is on the minus strand). VCF-style: chr1-19232659-G-A. GRCh37 (hg19) VCF-style: chr1-19559153-G-A.
Other names: c.1744C>T, p.His582Tyr (NM_001271427.2, NM_001271428.2); c.1681C>T, p.His561Tyr (NM_001271429.2); c.1756C>T, p.His586Tyr (NM_001375820.1); c.1753C>T, p.His585Tyr (NM_001375821.1); short protein forms H583Y, H586Y, H561Y, H585Y, H582Y.
Identifiers: ClinVar variation 2122543 (VCV002122543.4), dbSNP rs2093532719, ClinGen allele CA338760532.